The following is an entry in ClinVar:

ClinVar aggregate classification (germline): Uncertain significance (1 of 4 stars; one submission).

Allele frequency attached by ClinVar (database versions not stated): TOPMed below 0.00001; gnomAD 0.00001.
gnomAD v4.1: 3 of 700,366 alleles (0.00043%); highest among the groups gnomAD compares: Non-Finnish European, 0.00078%; no homozygotes.

Submission:

Women's Health and Genetics/Laboratory Corporation of America, LabCorp
Classification: Uncertain significance. Last evaluated: 2024-03-13. Review status: criteria provided, single submitter. Criteria: LabCorp Variant Classification Summary - May 2015. Collection method: clinical testing. Allele origin: germline.
Comment: Variant summary: RMRP n.148C>G alters a nucleotide in the non-coding RNA. The variant was absent in 130490 control chromosomes. The available data on variant occurrences in the general population are insufficient to allow any conclusion about variant significance. To our knowledge, no occurrence of n.148C>G in individuals affected with Cartilage-Hair Hypoplasia and no experimental evidence demonstrating its impact on protein function have been reported. ClinVar contains an entry for this variant (Variation ID: 426728). Based on the evidence outlined above, the variant was classified as uncertain significance.

NR_003051.4(RMRP):n.149C>G

Gene: RMRP (RNA component of mitochondrial RNA processing endoribonuclease; minus strand). Cytogenetic location: 9p13.3.
Variant type: single nucleotide variant.
Molecular consequence: non-coding transcript variant (on NR_003051.4).
Genome position: GRCh38 VCF-style: chr9-35657871-G-C. GRCh37 (hg19) VCF-style: chr9-35657868-G-C.
Identifiers: ClinVar variation 3233462 (VCV003233462.2), dbSNP rs1085307765, ClinGen allele CA464450699.